The following is an entry in ClinVar:

ClinVar aggregate classification (germline): Uncertain significance (1 of 4 stars; one submission).

Conditions:
Duchenne muscular dystrophy (DMD). Also called: MUSCULAR DYSTROPHY, PSEUDOHYPERTROPHIC PROGRESSIVE, DUCHENNE TYPE; Duchenne Muscular Dystrophy (DMD). Identifiers: Orphanet 98896, MedGen C0013264, MONDO:0010679, OMIM 310200.

Submission:

Labcorp Genetics (formerly Invitae), Labcorp
Classification: Uncertain significance for Duchenne muscular dystrophy. Last evaluated: 2024-08-23. Review status: criteria provided, single submitter. Criteria: Invitae Variant Classification Sherloc (09022015). Collection method: clinical testing. Allele origin: germline.
Comment: This sequence change replaces lysine, which is basic and polar, with asparagine, which is neutral and polar, at codon 2512 of the DMD protein (p.Lys2512Asn). This variant is not present in population databases (gnomAD no frequency). This variant has not been reported in the literature in individuals affected with DMD-related conditions. Invitae Evidence Modeling of protein sequence and biophysical properties (such as structural, functional, and spatial information, amino acid conservation, physicochemical variation, residue mobility, and thermodynamic stability) indicates that this missense variant is not expected to disrupt DMD protein function with a negative predictive value of 95%. In summary, the available evidence is currently insufficient to determine the role of this variant in disease. Therefore, it has been classified as a Variant of Uncertain Significance.

NM_004006.3(DMD):c.7536G>T (p.Lys2512Asn)

Gene: DMD (dystrophin; minus strand). Cytogenetic location: Xp21.1.
Variant type: single nucleotide variant.
Coding change: c.7536G>T on transcript NM_004006.3 (MANE Select); coding-DNA position 7536, G replaced by T.
Protein change: p.Lys2512Asn; replaces lysine 2512 with asparagine.
Molecular consequence: missense variant.
Genome position (GRCh38, 1-based): chrX:31,773,966, C>A on the plus strand (G>T on the coding strand, the complement: DMD is on the minus strand). VCF-style: chrX-31773966-C-A. GRCh37 (hg19) VCF-style: chrX-31792083-C-A.
Other names: c.7512G>T, p.Lys2504Asn (NM_000109.4); c.7524G>T, p.Lys2508Asn (NM_004009.3); c.7167G>T, p.Lys2389Asn (NM_004010.3); c.3513G>T, p.Lys1171Asn (NM_004011.4); c.3504G>T, p.Lys1168Asn (NM_004012.4); c.156G>T, p.Lys52Asn (NM_004013.3, NM_004020.4, NM_004021.3 and 2 more transcripts); short protein forms K52N, K1168N, K2504N, K2508N, K1171N, K2389N, K2512N.
Identifiers: ClinVar variation 3703492 (VCV003703492.2).